The following is an entry in ClinVar:

NC_000023.11:g.(?_31929576)_(32365219_?)del

Genes: DMD (dystrophin; minus strand), LOC129391297 (MPRA-validated peak7374 silencer; plus strand). Cytogenetic location: Xp21.1.
Variant type: Deletion.
Identifiers: ClinVar variation 455824 (VCV000455824.7).

ClinVar aggregate classification (germline): Pathogenic (1 of 4 stars; one submission).

Conditions:
Duchenne muscular dystrophy (DMD). Also called: MUSCULAR DYSTROPHY, PSEUDOHYPERTROPHIC PROGRESSIVE, DUCHENNE TYPE; Duchenne Muscular Dystrophy (DMD). Identifiers: Orphanet 98896, MedGen C0013264, MONDO:0010679, OMIM 310200.

Submission:

Labcorp Genetics (formerly Invitae), Labcorp
Classification: Pathogenic for Duchenne muscular dystrophy. Last evaluated: 2019-05-21. Review status: criteria provided, single submitter. Criteria: Invitae Variant Classification Sherloc (09022015). Collection method: clinical testing. Allele origin: germline.
Comment: Sub-genic deletion of exons 45-47 has been determined to be pathogenic (PMID: 16770791). Therefore, deletions that fully encompass that region are also expected to be pathogenic. This variant has not been reported in the literature in individuals with DMD-related conditions. This variant is an in-frame deletion of the genomic region encompassing exons 35-49 of the DMD gene. It preserves the integrity of the reading frame. For these reasons, this variant has been classified as Pathogenic.

Literature cited by the submitters: PubMed 16770791.